The following is an entry in ClinVar:

ClinVar aggregate classification (germline): Uncertain significance. Review status: reviewed by expert panel (3 of 4 stars). 4 submissions from 4 submitters: Uncertain significance (1). 3 of the submissions do not count toward it. Last evaluated 2025-01-03.

Conditions:
Maturity-onset diabetes of the young type 1. Also called: MODY, type I; MILD JUVENILE DIABETES MELLITUS; MODY type 1; Diabetes mellitus MODY type 1; MODY HNF4A related; HNF4A-Related Maturity-Onset Diabetes of the Young Type 1. Identifiers: Orphanet 552, MedGen C1852093, MONDO:0007452, OMIM 125850. Disease mechanism: loss of function.
Monogenic diabetes. Identifiers: Orphanet 183625, MedGen C3888631, MONDO:0015967.

Allele frequency attached by ClinVar (database versions not stated): gnomAD exomes below 0.00001.
gnomAD v4.1: 1 of 1,613,912 alleles (0.000062%); highest among the groups gnomAD compares: Non-Finnish European, 0.000085%; no homozygotes.

Submissions (4):

ClinGen Monogenic Diabetes Variant Curation Expert Panel
Classification: Uncertain significance for Monogenic diabetes. Last evaluated: 2025-01-03. Review status: reviewed by expert panel. Criteria: ClinGen Diabetes ACMG Specifications HNF4A V2.0.0. Collection method: curation. Allele origin: germline. Inheritance: Autosomal dominant inheritance.
Comment: The c.530T>C variant in the hepatocyte nuclear factor 4-alpha gene, HNF4A, causes an amino acid change of valine to alanine at codon 177 (p.(Val177Ala)) of NM_175914.5. This variant is predicted to be deleterious by computational evidence, with a REVEL score of 0.937, which is greater than the MDEP VCEP threshold of 0.70 (PP3). This variant is absent from gnomAD v2.1.1 (PM2_Supporting). This variant was identified in 3 unrelated individuals with non-autoimmune and non-absolute/near-absolute insulin-deficient diabetes; however, PS4_Moderate cannot be applied because this number is below the ClinGen MDEP threshold (PMID: 27420379, internal lab contributors). Two of these individuals had a clinical history highly specific for HNF4A-monogenic diabetes (MODY probability calculator result >50%, negative genetic testing for HNF1A, and antibody-negative or SU-sensitive) (PP4_Moderate; PMID: 27420379, internal lab contributors). This variant segregated with diabetes with two informative meioses in a single family; however, this does not meet the thresholds for PP1 set by the ClinGen MDEP (internal lab contributors). Another missense variant, c.530T>A p.Val177Asp, has been classified as a VUS by the ClinGen MDEP; therefore, PM5 will not be applied. In summary, c.530T>C meets the criteria to be classified as a variant of uncertain significance for monogenic diabetes. ACMG/AMP criteria applied, as specified by the ClinGen MDEP (specification version 2.0.0, approved 10/11/2023): PP4_Moderate, PP3, PM2_Supporting.

Labcorp Genetics (formerly Invitae), Labcorp
Classification: Uncertain significance. Last evaluated: 2025-10-13. Review status: criteria provided, single submitter. Criteria: Invitae Variant Classification Sherloc (09022015). Collection method: clinical testing. Allele origin: germline. Not counted in ClinVar's aggregate classification.
Comment: This sequence change replaces valine, which is neutral and non-polar, with alanine, which is neutral and non-polar, at codon 177 of the HNF4A protein (p.Val177Ala). This variant is not present in population databases (gnomAD no frequency). This missense change has been observed in individual(s) with clinical features of diabetes (PMID: 18356407, 27420379, 34789499, 36257325). This variant is also known as p.V199A. ClinVar contains an entry for this variant (Variation ID: 1399408). Invitae Evidence Modeling of protein sequence and biophysical properties (such as structural, functional, and spatial information, amino acid conservation, physicochemical variation, residue mobility, and thermodynamic stability) has been performed for this missense variant. However, the output from this modeling did not meet the statistical confidence thresholds required to predict the impact of this variant on HNF4A protein function. In summary, the available evidence is currently insufficient to determine the role of this variant in disease. Therefore, it has been classified as a Variant of Uncertain Significance.

Women's Health and Genetics/Laboratory Corporation of America, LabCorp
Classification: Uncertain significance. Last evaluated: 2025-05-27. Review status: criteria provided, single submitter. Criteria: LabCorp Variant Classification Summary - May 2015. Collection method: clinical testing. Allele origin: germline. Not counted in ClinVar's aggregate classification.
Comment: Variant summary: HNF4A c.530T>C (p.Val177Ala), also known as V199A, results in a non-conservative amino acid change in the encoded protein sequence. Algorithms developed to predict the effect of missense changes on protein structure and function all suggest that this variant is likely to be disruptive. The variant was absent in 250714 control chromosomes. c.530T>C has been observed in the presumed heterozygous state in multiple individual(s) affected with clinical features of Maturity Onset Diabetes Of The Young 1/Neonatal Diabetes Mellitus (example, Ang_2016, Colclough_2022, Mirshahi_2022), including at least 1 family where it segregated with disease. These data indicate that the variant may be associated with disease. To our knowledge, no experimental evidence demonstrating an impact on protein function has been reported. ClinVar contains an entry for this variant (Variation ID: 1399408). Based on the evidence outlined above, the variant was classified as VUS-possibly pathogenic.

Geisinger Clinic, Geisinger Health System
Classification: Likely pathogenic for Maturity-onset diabetes of the young type 1. Last evaluated: 2022-08-02. Review status: criteria provided, single submitter. Criteria: ACMG Guidelines, 2015. Collection method: research. Allele origin: germline. Inheritance: Autosomal dominant inheritance. Affected: yes. Observed: 1 variant allele. Not counted in ClinVar's aggregate classification.
Comment: PP3, PM2, PS4_Moderate, PP4, PS4_Supporting, PM5_supporting

Literature cited by the submitters: PubMed 18356407 (cited by Labcorp Genetics (formerly Invitae), Labcorp); PubMed 27420379 (cited by Labcorp Genetics (formerly Invitae), Labcorp and Women's Health and Genetics/Laboratory Corporation of America, LabCorp); PubMed 34789499 (cited by Labcorp Genetics (formerly Invitae), Labcorp and Women's Health and Genetics/Laboratory Corporation of America, LabCorp); PubMed 36257325 (cited by 3 submitters).

NM_175914.5(HNF4A):c.530T>C (p.Val177Ala)

Gene: HNF4A (hepatocyte nuclear factor 4 alpha; plus strand). Cytogenetic location: 20q13.12.
Variant type: single nucleotide variant.
Coding change: c.530T>C on transcript NM_175914.5 (MANE Select); coding-DNA position 530, T replaced by C.
Protein change: p.Val177Ala; replaces valine 177 with alanine.
Molecular consequence: missense variant.
Genome position (GRCh38, 1-based): chr20:44,414,610, T>C. VCF-style: chr20-44414610-T-C. GRCh37 (hg19) VCF-style: chr20-43043250-T-C.
Other names: NM_175914.5(HNF4A):c.530T>C; p.Val177Ala; c.596T>C, p.Val199Ala (NM_000457.6, NM_178849.3, NM_178850.3); c.530T>C, p.Val177Ala (NM_001030003.3, NM_001030004.3); c.575T>C, p.Val192Ala (NM_001258355.2); c.521T>C, p.Val174Ala (NM_001287182.2, NM_001287183.2, NM_001287184.2); short protein forms V192A, V174A, V177A, V199A.
Identifiers: ClinVar variation 1399408 (VCV001399408.17), dbSNP rs2146417574, ClinGen allele CA409106086.